The following is an entry in ClinVar:

NM_005228.5(EGFR):c.1104T>G (p.Asp368Glu)

Genes: EGFR (epidermal growth factor receptor; plus strand), LOC126860048 (P300/CBP strongly-dependent group 1 enhancer GRCh37_chr7:55223847-55225046; plus strand). Cytogenetic location: 7p11.2.
Variant type: single nucleotide variant.
Coding change: c.1104T>G on transcript NM_005228.5 (MANE Select); coding-DNA position 1104, T replaced by G.
Protein change: p.Asp368Glu; replaces aspartic acid 368 with glutamic acid.
Molecular consequence: missense variant.
Genome position (GRCh38, 1-based): chr7:55,156,630, T>G. VCF-style: chr7-55156630-T-G. GRCh37 (hg19) VCF-style: chr7-55224323-T-G.
Other names: c.969T>G, p.Asp323Glu (NM_001346897.2, NM_001346899.2); c.1104T>G, p.Asp368Glu (NM_001346898.2, NM_201282.2, NM_201283.2 and 1 more transcripts); c.945T>G, p.Asp315Glu (NM_001346900.2); c.303T>G, p.Asp101Glu (NM_001346941.2); short protein forms D101E, D323E, D368E, D315E.
Identifiers: ClinVar variation 1427794 (VCV001427794.6), dbSNP rs2128938390, ClinGen allele CA367578407.

ClinVar aggregate classification (germline): Uncertain significance (1 of 4 stars; one submission).

Conditions:
EGFR-related lung cancer (EGFR). Identifiers: MedGen CN130014.

Submission:

Labcorp Genetics (formerly Invitae), Labcorp
Classification: Uncertain significance for EGFR-related lung cancer. Last evaluated: 2021-08-02. Review status: criteria provided, single submitter. Criteria: Invitae Variant Classification Sherloc (09022015). Collection method: clinical testing. Allele origin: germline.
Comment: This sequence change replaces aspartic acid with glutamic acid at codon 368 of the EGFR protein (p.Asp368Glu). The aspartic acid residue is moderately conserved and there is a small physicochemical difference between aspartic acid and glutamic acid. This variant is not present in population databases (ExAC no frequency). This variant has not been reported in the literature in individuals affected with EGFR-related conditions. Algorithms developed to predict the effect of missense changes on protein structure and function are either unavailable or do not agree on the potential impact of this missense change (SIFT: "Tolerated"; PolyPhen-2: "Probably Damaging"; Align-GVGD: "Class C0"). In summary, the available evidence is currently insufficient to determine the role of this variant in disease. Therefore, it has been classified as a Variant of Uncertain Significance.